The following is an entry in ClinVar:

NM_001164508.2(NEB):c.4105G>A (p.Glu1369Lys)

Gene: NEB (nebulin; minus strand). Cytogenetic location: 2q23.3.
Variant type: single nucleotide variant.
Coding change: c.4105G>A on transcript NM_001164508.2 (MANE Select); coding-DNA position 4105, G replaced by A.
Protein change: p.Glu1369Lys; replaces glutamic acid 1369 with lysine.
Molecular consequence: missense variant.
Genome position (GRCh38, 1-based): chr2:151,672,563, C>T on the plus strand (G>A on the coding strand, the complement: NEB is on the minus strand). VCF-style: chr2-151672563-C-T. GRCh37 (hg19) VCF-style: chr2-152529077-C-T.
Other names: c.4105G>A, p.Glu1369Lys (NM_001164507.2, NM_001271208.2, NM_004543.5); short protein forms E1369K.
Identifiers: ClinVar variation 580159 (VCV000580159.10), dbSNP rs779213215, ClinGen allele CA1910720.

ClinVar aggregate classification (germline): Uncertain significance. Review status: criteria provided, multiple submitters, no conflicts (2 of 4 stars). 3 submissions from 3 submitters: Uncertain significance (2). 1 of the submissions does not count toward it. Last evaluated 2023-10-03.

Conditions:
Nemaline myopathy 2 (NEM2). Also called: Nemaline myopathy 2, autosomal recessive. Identifiers: MedGen C1850569, MONDO:0009725, OMIM 256030.

Allele frequency attached by ClinVar (database versions not stated): ExAC 0.00001; gnomAD exomes 0.00001 and 0.00002; gnomAD 0.00002; TOPMed 0.00002.
gnomAD v4.1: 17 of 1,613,858 alleles (0.0011%); highest among the groups gnomAD compares: Non-Finnish European, 0.0014%; no homozygotes.

Submissions (3):

Labcorp Genetics (formerly Invitae), Labcorp
Classification: Uncertain significance for Nemaline myopathy 2. Last evaluated: 2023-10-03. Review status: criteria provided, single submitter. Criteria: Invitae Variant Classification Sherloc (09022015). Collection method: clinical testing. Allele origin: germline.
Comment: This sequence change replaces glutamic acid, which is acidic and polar, with lysine, which is basic and polar, at codon 1369 of the NEB protein (p.Glu1369Lys). This variant is present in population databases (rs779213215, gnomAD 0.004%). This variant has not been reported in the literature in individuals affected with NEB-related conditions. ClinVar contains an entry for this variant (Variation ID: 580159). Experimental studies and prediction algorithms are not available or were not evaluated, and the functional significance of this variant is currently unknown. In summary, the available evidence is currently insufficient to determine the role of this variant in disease. Therefore, it has been classified as a Variant of Uncertain Significance.

Breakthrough Genomics
Classification: Uncertain significance. Review status: criteria provided, single submitter. Criteria: ACMG Guidelines, 2015. Collection method: not provided. Allele origin: germline. Inheritance: Autosomal recessive inheritance. Affected: yes.

Natera, Inc.
Classification: Uncertain significance for Nemaline myopathy type 2. Last evaluated: 2019-11-11. Review status: no assertion criteria provided. Collection method: clinical testing. Allele origin: germline. Not counted in ClinVar's aggregate classification.